The following is an entry in ClinVar:

ClinVar aggregate classification (germline): Likely benign (1 of 4 stars; one submission).

Submission:

CeGaT Center for Human Genetics Tuebingen
Classification: Likely benign. Last evaluated: 2025-12-01. Review status: criteria provided, single submitter. Criteria: CeGaT Center For Human Genetics Tuebingen Variant Classification Criteria Version 2. Collection method: clinical testing. Allele origin: germline. Affected: yes. Observed: 1 variant allele.
Comment: HERC1: PM2:Supporting, BP4, BP7

NM_003922.4(HERC1):c.1935T>C (p.Gly645=)

Gene: HERC1 (HECT and RLD domain containing E3 ubiquitin protein ligase family member 1; minus strand). Cytogenetic location: 15q22.31.
Variant type: single nucleotide variant.
Coding change: c.1935T>C on transcript NM_003922.4 (MANE Select); coding-DNA position 1935, T replaced by C.
Protein change: p.Gly645=; no amino-acid change (glycine 645 retained).
Molecular consequence: synonymous variant.
Genome position (GRCh38, 1-based): chr15:63,749,759, A>G on the plus strand (T>C on the coding strand, the complement: HERC1 is on the minus strand). VCF-style: chr15-63749759-A-G. GRCh37 (hg19) VCF-style: chr15-64041958-A-G.
Identifiers: ClinVar variation 4681795 (VCV004681795.5).